The following is an entry in ClinVar:

ClinVar aggregate classification (germline): Uncertain significance (1 of 4 stars; one submission).

Conditions:
Inborn genetic diseases. Identifiers: MedGen C0950123, MeSH D030342.

gnomAD v4.1: 4 of 1,612,580 alleles (0.00025%); highest among the groups gnomAD compares: Non-Finnish European, 0.00034%; no homozygotes.

Submission:

Ambry Genetics
Classification: Uncertain significance for Inborn genetic diseases. Last evaluated: 2025-01-27. Review status: criteria provided, single submitter. Criteria: Ambry Variant Classification Scheme 2023. Collection method: clinical testing. Allele origin: germline.
Comment: The c.1779C>A (p.Y593*) alteration, located in exon 6 (coding exon 6) of the CHRNA4 gene, consists of a C to A substitution at nucleotide position 1779. This changes the amino acid from a tyrosine (Y) to a stop codon at amino acid position 593. This variant is not expected to trigger nonsense-mediated mRNA decay, and impacts the last 35 amino acids of the protein. The exact functional effect of this alteration is unknown. Additionally, loss-of-function of CHRNA4 has not been established as a mechanism of disease. This variant was not reported in population-based cohorts in the Genome Aggregation Database (gnomAD). Based on insufficient or conflicting evidence, the clinical significance of this alteration remains unclear.

NM_000744.7(CHRNA4):c.1779C>A (p.Tyr593Ter)

Gene: CHRNA4 (cholinergic receptor nicotinic alpha 4 subunit; minus strand). Cytogenetic location: 20q13.33.
Variant type: single nucleotide variant.
Coding change: c.1779C>A on transcript NM_000744.7 (MANE Select); coding-DNA position 1779, C replaced by A.
Protein change: p.Tyr593Ter; replaces tyrosine 593 with a stop codon.
Molecular consequence: nonsense. On other transcripts: non-coding transcript variant (1).
Genome position (GRCh38, 1-based): chr20:63,346,843, G>T on the plus strand (C>A on the coding strand, the complement: CHRNA4 is on the minus strand). VCF-style: chr20-63346843-G-T. GRCh37 (hg19) VCF-style: chr20-61978195-G-T.
Other names: c.1251C>A, p.Tyr417Ter (NM_001256573.2); short protein forms Y593*, Y417*.
Identifiers: ClinVar variation 3833189 (VCV003833189.1).